The following is an entry in ClinVar:

NM_053025.4(MYLK):c.4620-2A>G

Gene: MYLK (myosin light chain kinase; minus strand). Cytogenetic location: 3q21.1.
Variant type: single nucleotide variant.
Coding change: c.4620-2A>G on transcript NM_053025.4 (MANE Select); the canonical splice acceptor site of the intron before coding-DNA position 4620, A replaced by G.
Molecular consequence: splice acceptor variant.
Genome position (GRCh38, 1-based): chr3:123,640,506, T>C on the plus strand (A>G on the coding strand, the complement: MYLK is on the minus strand). VCF-style: chr3-123640506-T-C. GRCh37 (hg19) VCF-style: chr3-123359353-T-C.
Other names: c.4092-2A>G (NM_001321309.2); c.4413-2A>G (NM_053028.4, NM_053026.4); c.4620-2A>G (NM_053027.4).
Identifiers: ClinVar variation 1466109 (VCV001466109.6), dbSNP rs2108112355, ClinGen allele CA354226337.

ClinVar aggregate classification (germline): Likely pathogenic (1 of 4 stars; one submission).

Conditions:
Aortic aneurysm, familial thoracic 7 (AAT7). Also called: AORTIC DISSECTION, FAMILIAL, WITH OR WITHOUT AORTIC ANEURYSM. Identifiers: MedGen C3151077, MONDO:0013418, OMIM 613780.

Submission:

Labcorp Genetics (formerly Invitae), Labcorp
Classification: Likely pathogenic for Aortic aneurysm, familial thoracic 7. Last evaluated: 2021-10-16. Review status: criteria provided, single submitter. Criteria: Invitae Variant Classification Sherloc (09022015). Collection method: clinical testing. Allele origin: germline.
Comment: This sequence change affects an acceptor splice site in intron 27 of the MYLK gene. This variant occurs within the aortic-specific isoform of MYLK. Loss-of-function variants in the aortic-specific isoform of MYLK are known to be pathogenic for thoracic aortic dissections (PMID: 21055718). This variant is not present in population databases (ExAC no frequency). This variant has not been reported in the literature in individuals affected with MYLK-related conditions. Algorithms developed to predict the effect of sequence changes on RNA splicing suggest that this variant may disrupt the consensus splice site. In summary, the currently available evidence indicates that the variant is pathogenic, but additional data are needed to prove that conclusively. Therefore, this variant has been classified as Likely Pathogenic.

Literature cited by the submitters: PubMed 21055718.